The following is an entry in ClinVar:

ClinVar aggregate classification (germline): Pathogenic. Review status: reviewed by expert panel (3 of 4 stars). 2 submissions from 2 submitters: Pathogenic (1). 1 of the submissions does not count toward it. Last evaluated 2016-10-18.

Conditions:
Breast-ovarian cancer, familial, susceptibility to, 1 (BROVCA1). Also called: BRCA1 Hereditary Breast and Ovarian Cancer; OVARIAN CANCER, SUSCEPTIBILITY TO. Identifiers: Orphanet 145, MedGen C2676676, MONDO:0011450, OMIM 604370. Disease mechanism: loss of function.

Submissions (2):

Evidence-based Network for the Interpretation of Germline Mutant Alleles (ENIGMA)
Classification: Pathogenic for Breast-ovarian cancer, familial, susceptibility to, 1. Last evaluated: 2016-10-18. Review status: reviewed by expert panel. Criteria: ENIGMA BRCA1/2 Classification Criteria (2015). Collection method: curation. Allele origin: germline.
Comment: Variant allele predicted to encode a truncated non-functional protein.

Consortium of Investigators of Modifiers of BRCA1/2 (CIMBA), c/o University of Cambridge
Classification: Pathogenic for Breast-ovarian cancer, familial, susceptibility to, 1. Last evaluated: 2015-10-02. Review status: criteria provided, single submitter. Criteria: CIMBA Mutation Classification guidelines May 2016. Collection method: clinical testing. Allele origin: germline. Not counted in ClinVar's aggregate classification.

NM_007294.4(BRCA1):c.3262_3277del (p.Val1088fs)

Genes: BRCA1 (BRCA1 DNA repair associated; minus strand), LOC126862571 (BRD4-independent group 4 enhancer GRCh37_chr17:41243136-41244335; plus strand). Cytogenetic location: 17q21.31.
Variant type: Deletion.
Coding change: c.3262_3277del on transcript NM_007294.4 (MANE Select); coding-DNA positions 3262 to 3277, 16 bases deleted (GTTTTGCAACCTGAGG).
Protein change: p.Val1088fs; shifts the reading frame from valine 1088.
Molecular consequence: frameshift variant. On other transcripts: intron variant (137).
Genome position (GRCh38, 1-based): chr17:43,092,254-43,092,269, CCTCAGGTTGCAAAAC deleted on the plus strand (GTTTTGCAACCTGAGG on the coding strand, the reverse complement: BRCA1 is on the minus strand); deleting any 16 consecutive bases within chr17:43,092,254-43,092,271 gives the same sequence; the c. name uses the placement nearest the transcript's 3' end. VCF-style (leftmost placement, unchanged base first): chr17-43092253-ACCTCAGGTTGCAAAAC-A. GRCh37 (hg19) VCF-style: chr17-41244270-ACCTCAGGTTGCAAAAC-A.
Other names: 3381_3396del16; c.3121_3136del, p.Val1041fs (NM_001407734.1, NM_001407735.1, NM_001407736.1 and 29 more transcripts); c.3118_3133del, p.Val1040fs (NM_001407740.1, NM_001407741.1, NM_001407742.1 and 20 more transcripts); c.3049_3064del, p.Val1017fs (NM_001407853.1, NM_001407894.1, NM_001407895.1 and 9 more transcripts); c.3262_3277del, p.Val1088fs (NM_001407854.1, NM_001407858.1, NM_001407859.1 and 30 more transcripts); c.3259_3274del, p.Val1087fs (NM_001407860.1, NM_001407861.1, NM_001407587.1 and 22 more transcripts); c.3061_3076del, p.Val1021fs (NM_001407862.1); c.3139_3154del, p.Val1047fs (NM_001407863.1, NM_001407919.1, NM_001407937.1 and 19 more transcripts); and 43 more; short protein forms V1041fs, V1088fs, V1000fs, V1021fs, V1018fs, V1047fs, V1087fs, V960fs.
Identifiers: ClinVar variation 266348 (VCV000266348.6), dbSNP rs886040108, ClinGen allele CA10589770.